The following is an entry in ClinVar:

ClinVar aggregate classification (germline): Uncertain significance. Review status: criteria provided, multiple submitters, no conflicts (2 of 4 stars). 2 submissions from 2 submitters: Uncertain significance (2). Last evaluated 2024-07-26.

gnomAD v4.1: 18 of 1,612,514 alleles (0.0011%); highest among the groups gnomAD compares: Non-Finnish European, 0.0015%; no homozygotes.

Submissions (2):

Ambry Genetics
Classification: Uncertain significance. Last evaluated: 2024-07-26. Review status: criteria provided, single submitter. Criteria: Ambry Variant Classification Scheme 2023. Collection method: clinical testing. Allele origin: germline.

Labcorp Genetics (formerly Invitae), Labcorp
Classification: Uncertain significance. Last evaluated: 2024-06-06. Review status: criteria provided, single submitter. Criteria: Invitae Variant Classification Sherloc (09022015). Collection method: clinical testing. Allele origin: germline.
Comment: This sequence change replaces serine, which is neutral and polar, with alanine, which is neutral and non-polar, at codon 684 of the IL6ST protein (p.Ser684Ala). This variant is present in population databases (rs749140248, gnomAD 0.0009%). This variant has not been reported in the literature in individuals affected with IL6ST-related conditions. An algorithm developed to predict the effect of missense changes on protein structure and function (PolyPhen-2) suggests that this variant is likely to be tolerated. In summary, the available evidence is currently insufficient to determine the role of this variant in disease. Therefore, it has been classified as a Variant of Uncertain Significance.

NM_002184.4(IL6ST):c.2050T>G (p.Ser684Ala)

Gene: IL6ST (interleukin 6 cytokine family signal transducer; minus strand). Cytogenetic location: 5q11.2.
Variant type: single nucleotide variant.
Coding change: c.2050T>G on transcript NM_002184.4 (MANE Select); coding-DNA position 2050, T replaced by G.
Protein change: p.Ser684Ala; replaces serine 684 with alanine.
Molecular consequence: missense variant. On other transcripts: 3 prime UTR variant (1), non-coding transcript variant (2).
Genome position (GRCh38, 1-based): chr5:55,941,789, A>C on the plus strand (T>G on the coding strand, the complement: IL6ST is on the minus strand). VCF-style: chr5-55941789-A-C. GRCh37 (hg19) VCF-style: chr5-55237617-A-C.
Other names: c.1867T>G, p.Ser623Ala (NM_001190981.2); c.1948T>G, p.Ser650Ala (NM_001364275.2); c.1840T>G, p.Ser614Ala (NM_001364276.2); c.1183T>G, p.Ser395Ala (NM_001364277.2); c.1147T>G, p.Ser383Ala (NM_001364278.2); c.1054T>G, p.Ser352Ala (NM_001364279.2); c.*977T>G (NM_175767.3); short protein forms S395A, S623A, S684A, S614A, S650A, S352A, S383A.
Identifiers: ClinVar variation 3528861 (VCV003528861.3).